The following is an entry in ClinVar:

ClinVar aggregate classification (germline): Uncertain significance. Review status: criteria provided, multiple submitters, no conflicts (2 of 4 stars). 2 submissions from 2 submitters: Uncertain significance (2). Last evaluated 2025-12-03.

Conditions:
Hereditary cancer-predisposing syndrome. Also called: Hereditary neoplastic syndrome; Tumor predisposition; Neoplastic Syndromes, Hereditary; Hereditary Cancer Syndrome. Identifiers: Orphanet 140162, MedGen C0027672, MeSH D009386, MONDO:0015356.
Hereditary nonpolyposis colorectal neoplasms. Identifiers: MedGen C0009405, MeSH D003123.

gnomAD v4.1: 2 of 1,614,208 alleles (0.00012%); highest among the groups gnomAD compares: Non-Finnish European, 0.00017%; no homozygotes.

Submissions (2):

Labcorp Genetics (formerly Invitae), Labcorp
Classification: Uncertain significance for Hereditary nonpolyposis colorectal neoplasms. Last evaluated: 2025-12-03. Review status: criteria provided, single submitter. Criteria: Invitae Variant Classification Sherloc (09022015). Collection method: clinical testing. Allele origin: germline.
Comment: This sequence change replaces glutamic acid, which is acidic and polar, with glycine, which is neutral and non-polar, at codon 411 of the PMS2 protein (p.Glu411Gly). This variant is not present in population databases (gnomAD no frequency). This variant has not been reported in the literature in individuals affected with PMS2-related conditions. ClinVar contains an entry for this variant (Variation ID: 570793). Invitae Evidence Modeling incorporating data from in vitro experimental studies (internal data) indicates that this missense variant is not expected to disrupt PMS2 function with a negative predictive value of 95%. In summary, the available evidence is currently insufficient to determine the role of this variant in disease. Therefore, it has been classified as a Variant of Uncertain Significance.

Ambry Genetics
Classification: Uncertain significance for Hereditary cancer-predisposing syndrome. Last evaluated: 2020-01-16. Review status: criteria provided, single submitter. Criteria: Ambry Variant Classification Scheme 2023. Collection method: clinical testing. Allele origin: germline.
Comment: The p.E411G variant (also known as c.1232A>G), located in coding exon 11 of the PMS2 gene, results from an A to G substitution at nucleotide position 1232. The glutamic acid at codon 411 is replaced by glycine, an amino acid with similar properties. This amino acid position is not well conserved in available vertebrate species. In addition, this alteration is predicted to be tolerated by in silico analysis. Since supporting evidence is limited at this time, the clinical significance of this alteration remains unclear.

NM_000535.7(PMS2):c.1232A>G (p.Glu411Gly)

Gene: PMS2 (PMS1 homolog 2, mismatch repair system component; minus strand). Cytogenetic location: 7p22.1.
Variant type: single nucleotide variant.
Coding change: c.1232A>G on transcript NM_000535.7 (MANE Select); coding-DNA position 1232, A replaced by G.
Protein change: p.Glu411Gly; replaces glutamic acid 411 with glycine.
Molecular consequence: missense variant. On other transcripts: non-coding transcript variant (1).
Genome position (GRCh38, 1-based): chr7:5,987,533, T>C on the plus strand (A>G on the coding strand, the complement: PMS2 is on the minus strand). VCF-style: chr7-5987533-T-C. GRCh37 (hg19) VCF-style: chr7-6027164-T-C.
Other names: c.827A>G, p.Glu276Gly (NM_001322003.2, NM_001322004.2, NM_001322005.2 and 1 more transcripts); c.914A>G, p.Glu305Gly (NM_001322008.2, NM_001322007.2); c.1076A>G, p.Glu359Gly (NM_001322006.2); c.671A>G, p.Glu224Gly (NM_001322010.2); c.299A>G, p.Glu100Gly (NM_001322011.2, NM_001322012.2); c.659A>G, p.Glu220Gly (NM_001322013.2); c.1232A>G, p.Glu411Gly (NM_001322014.2); c.923A>G, p.Glu308Gly (NM_001322015.2); short protein forms E411G, E276G, E305G, E308G, E100G, E220G, E224G, E359G.
Identifiers: ClinVar variation 570793 (VCV000570793.12), dbSNP rs587782832, ClinGen allele CA366742516.